The following is an entry in ClinVar:

NM_015272.5(RPGRIP1L):c.165G>A (p.Leu55=)

Gene: RPGRIP1L (RPGRIP1 like; minus strand). Cytogenetic location: 16q12.2.
Variant type: single nucleotide variant.
Coding change: c.165G>A on transcript NM_015272.5 (MANE Select); coding-DNA position 165, G replaced by A.
Protein change: p.Leu55=; no amino-acid change (leucine 55 retained).
Molecular consequence: synonymous variant.
Genome position (GRCh38, 1-based): chr16:53,696,216, C>T on the plus strand (G>A on the coding strand, the complement: RPGRIP1L is on the minus strand). VCF-style: chr16-53696216-C-T. GRCh37 (hg19) VCF-style: chr16-53730128-C-T.
Other names: c.165G>A (NM_015272.4); c.165G>A, p.Leu55= (NM_001127897.4, NM_001308334.3, NM_001328422.2 and 2 more transcripts).
Identifiers: ClinVar variation 695242 (VCV000695242.15), dbSNP rs138048667, ClinGen allele CA8058200.
Genomic context (GRCh38, chr16:53,696,216, plus strand): 5'-AATTTTATCCTCCTGCTTGCGGGCATGCTGTTTAAGTAAAATGTTCTCATCATGCAAACG[C>T]AAAAATCTGTCTTCCAGTTCCTCACGACTGACACGTGACACTGCCTGGCGAGACTTCATT-3'
Protein context (NP_056087.2, residues 45-65): VSREELEDRF[Leu55=]RLHDENILLK

ClinVar aggregate classification (germline): Likely benign. Review status: criteria provided, multiple submitters, no conflicts (2 of 4 stars). 4 submissions from 4 submitters: Likely benign (2). 2 of the submissions do not count toward it. Last evaluated 2026-01-16.

Conditions:
RPGRIP1L-related disorder. Also called: RPGRIP1L-related condition; RPGRIP1L-related disorders. Identifiers: MedGen CN239416.
Joubert syndrome. Also called: Familial aplasia of the vermis; JOUBERT-BOLTSHAUSER SYNDROME. Identifiers: Orphanet 475, MedGen C5979921, MONDO:0018772.
Meckel-Gruber syndrome. Also called: DYSENCEPHALIA SPLANCHNOCYSTICA; GRUBER SYNDROME; Dysencephalia splachnocystica. Identifiers: Orphanet 564, MedGen C0265215, MONDO:0018921.

Allele frequency attached by ClinVar (database versions not stated): gnomAD exomes 0.00002 and 0.00006; ExAC 0.00009; ESP Exome Variant Server 0.00015; gnomAD 0.00027 and 0.00029; TOPMed 0.00028; 1000 Genomes Project 0.00060; 1000 Genomes Project 30x 0.00078.
gnomAD v4.1: 71 of 1,614,016 alleles (0.0044%); highest among the groups gnomAD compares: African/African-American, 0.089%; no homozygotes.

Submissions (4):

Labcorp Genetics (formerly Invitae), Labcorp
Classification: Likely benign for Joubert syndrome; Meckel-Gruber syndrome. Last evaluated: 2026-01-16. Review status: criteria provided, single submitter. Criteria: Invitae Variant Classification Sherloc (09022015). Collection method: clinical testing. Allele origin: germline.

Blueprint Genetics
Classification: Likely benign. Last evaluated: 2023-06-02. Review status: criteria provided, single submitter. Criteria: ACMG Guidelines, 2015. Collection method: clinical testing. Allele origin: germline.

PreventionGenetics, part of Exact Sciences
Classification: Likely benign for RPGRIP1L-related condition. Last evaluated: 2021-06-28. Review status: no assertion criteria provided. Collection method: clinical testing. Allele origin: germline. Not counted in ClinVar's aggregate classification.
Comment: This variant is classified as likely benign based on ACMG/AMP sequence variant interpretation guidelines (Richards et al. 2015 PMID: 25741868, with internal and published modifications).

Natera, Inc.
Classification: Uncertain significance for Joubert syndrome. Last evaluated: 2020-04-24. Review status: no assertion criteria provided. Collection method: clinical testing. Allele origin: germline. Not counted in ClinVar's aggregate classification.